The following is an entry in ClinVar:

ClinVar aggregate classification (germline): Pathogenic. Review status: criteria provided, multiple submitters, no conflicts (2 of 4 stars). 2 submissions from 2 submitters: Pathogenic (2). Last evaluated 2025-12-29.

Conditions:
Inborn genetic diseases. Identifiers: MedGen C0950123, MeSH D030342.

Submissions (2):

Labcorp Genetics (formerly Invitae), Labcorp
Classification: Pathogenic. Last evaluated: 2025-12-29. Review status: criteria provided, single submitter. Criteria: Invitae Variant Classification Sherloc (09022015). Collection method: clinical testing. Allele origin: germline.
Comment: This sequence change creates a premature translational stop signal (p.Thr144Profs*10) in the DDX41 gene. It is expected to result in an absent or disrupted protein product. Loss-of-function variants in DDX41 are known to be pathogenic (PMID: 26712909, 27133828). This variant is not present in population databases (gnomAD no frequency). This premature translational stop signal has been observed in individual(s) with pancytopenia (PMID: 35671390). ClinVar contains an entry for this variant (Variation ID: 4010253). For these reasons, this variant has been classified as Pathogenic.

Ambry Genetics
Classification: Pathogenic for Inborn genetic diseases. Last evaluated: 2025-03-21. Review status: criteria provided, single submitter. Criteria: Ambry Variant Classification Scheme 2023. Collection method: clinical testing. Allele origin: germline.
Comment: The c.430delA pathogenic mutation, located in coding exon 5 of the DDX41 gene, results from a deletion of one nucleotide at nucleotide position 430, causing a translational frameshift with a predicted alternate stop codon (p.T144Pfs*10). This variant is considered to be rare based on population cohorts in the Genome Aggregation Database (gnomAD). This alteration is expected to result in loss of function by premature protein truncation or nonsense-mediated mRNA decay. As such, this alteration is interpreted as a disease-causing mutation.

Literature cited by the submitters: PubMed 26712909 (cited by Labcorp Genetics (formerly Invitae), Labcorp); PubMed 27133828 (cited by Labcorp Genetics (formerly Invitae), Labcorp); PubMed 35671390 (cited by Labcorp Genetics (formerly Invitae), Labcorp).

NM_016222.4(DDX41):c.430del (p.Thr144fs)

Gene: DDX41 (DEAD-box helicase 41; minus strand). Cytogenetic location: 5q35.3.
Variant type: Deletion.
Coding change: c.430del on transcript NM_016222.4 (MANE Select); coding-DNA position 430, one base deleted (A; older notation c.430delA).
Protein change: p.Thr144fs; shifts the reading frame from threonine 144.
Molecular consequence: frameshift variant.
Genome position (GRCh38, 1-based): chr5:177,515,933, T deleted on the plus strand (A on the coding strand, the reverse complement: DDX41 is on the minus strand); the first of 4 consecutive T bases (chr5:177,515,933-177,515,936); deleting any one gives the same sequence. VCF-style (leftmost placement, unchanged base first): chr5-177515932-GT-G. GRCh37 (hg19) VCF-style: chr5-176942933-GT-G.
Other names: c.52del, p.Thr18fs (NM_001321732.2, NM_001321830.2); short protein forms T144fs, T18fs.
Identifiers: ClinVar variation 4010253 (VCV004010253.2).